The following is an entry in ClinVar:

NM_001374828.1(ARID1B):c.2581+5G>C

Gene: ARID1B (AT-rich interaction domain 1B; plus strand). Cytogenetic location: 6q25.3.
Variant type: single nucleotide variant.
Coding change: c.2581+5G>C on transcript NM_001374828.1 (MANE Select); 5 bases into the intron after coding-DNA position 2581, G replaced by C.
Molecular consequence: intron variant.
Genome position (GRCh38, 1-based): chr6:157,110,566, G>C. VCF-style: chr6-157110566-G-C. GRCh37 (hg19) VCF-style: chr6-157431700-G-C.
Other names: c.2620+5G>C (NM_001371656.1, NM_001374820.1); c.2623+5G>C (NM_001438483.1, NM_001438486.1); c.2581+5G>C (NM_001438482.1, NM_017519.3, NM_001438487.1); c.2492-22462G>C (NM_001438485.1); c.82+5G>C (NM_001363725.2, NM_001438488.1).
Identifiers: ClinVar variation 4875083 (VCV004875083.2).

ClinVar aggregate classification (germline): Likely pathogenic (1 of 4 stars; one submission).

Submission:

CeGaT Center for Human Genetics Tuebingen
Classification: Likely pathogenic. Last evaluated: 2026-06-01. Review status: criteria provided, single submitter. Criteria: CeGaT Center For Human Genetics Tuebingen Variant Classification Criteria Version 2. Collection method: clinical testing. Allele origin: germline. Affected: yes. Observed: 1 variant allele.
Comment: ARID1B: PM2, PS2:Moderate, PP3, PS1:Supporting